The following is an entry in ClinVar:

ClinVar aggregate classification (germline): Uncertain significance (1 of 4 stars; one submission).

Conditions:
Duchenne muscular dystrophy (DMD). Also called: MUSCULAR DYSTROPHY, PSEUDOHYPERTROPHIC PROGRESSIVE, DUCHENNE TYPE; Duchenne Muscular Dystrophy (DMD). Identifiers: Orphanet 98896, MedGen C0013264, MONDO:0010679, OMIM 310200.

Allele frequency attached by ClinVar (database versions not stated): gnomAD exomes below 0.00001.
gnomAD v4.1: 1 of 1,202,683 alleles (0.000083%); highest among the groups gnomAD compares: Non-Finnish European, 0.00011%; no homozygotes.

Submission:

Labcorp Genetics (formerly Invitae), Labcorp
Classification: Uncertain significance for Duchenne muscular dystrophy. Last evaluated: 2023-06-29. Review status: criteria provided, single submitter. Criteria: Invitae Variant Classification Sherloc (09022015). Collection method: clinical testing. Allele origin: germline.
Comment: In summary, the available evidence is currently insufficient to determine the role of this variant in disease. Therefore, it has been classified as a Variant of Uncertain Significance. Algorithms developed to predict the effect of sequence changes on RNA splicing suggest that this variant may disrupt the consensus splice site. This variant has not been reported in the literature in individuals affected with DMD-related conditions. This variant is not present in population databases (gnomAD no frequency). This sequence change affects codon 1113 of the DMD mRNA. It is a 'silent' change, meaning that it does not change the encoded amino acid sequence of the DMD protein.

NM_004006.3(DMD):c.3339G>A (p.Gln1113=)

Gene: DMD (dystrophin; minus strand). Cytogenetic location: Xp21.1.
Variant type: single nucleotide variant.
Coding change: c.3339G>A on transcript NM_004006.3 (MANE Select); coding-DNA position 3339, G replaced by A.
Protein change: p.Gln1113=; no amino-acid change (glutamine 1113 retained).
Molecular consequence: synonymous variant.
Genome position (GRCh38, 1-based): chrX:32,463,532, C>T on the plus strand (G>A on the coding strand, the complement: DMD is on the minus strand). VCF-style: chrX-32463532-C-T. GRCh37 (hg19) VCF-style: chrX-32481649-C-T.
Other names: c.3315G>A, p.Gln1105= (NM_000109.4); c.3327G>A, p.Gln1109= (NM_004009.3); c.2970G>A, p.Gln990= (NM_004010.3).
Identifiers: ClinVar variation 2718713 (VCV002718713.3), dbSNP rs2524515613, ClinGen allele CA515715451.
Genomic context (GRCh38, chrX:32,463,532, plus strand): 5'-TTCTTTGAGTTCTGTCTCAAGTCTCGAAGCAAACTCTGGCTCTGCTTCATTCTTTATCTT[C>T]TGCCCACCTTCATTGACACTGTTTAGACTGGGCTGAATTGTCTGAATATCACTGACTAAA-3'
Protein context (NP_003997.2, residues 1103-1123): PSLNSVNEGG[Gln1113=]KIKNEAEPEF